The following is an entry in ClinVar:

ClinVar aggregate classification (germline): Conflicting classifications of pathogenicity. Review status: criteria provided, conflicting classifications (1 of 4 stars). 2 submissions from 2 submitters: Pathogenic (1); Uncertain significance (1). Last evaluated 2024-12-05.

Conditions:
Autosomal dominant nonsyndromic hearing loss 20. Identifiers: Orphanet 90635, MedGen C1858172, MONDO:0011480, OMIM 604717.
Baraitser-winter syndrome 2. Identifiers: Orphanet 2995, MedGen C3281235, MONDO:0013812, OMIM 614583.

Allele frequency attached by ClinVar (database versions not stated): gnomAD exomes below 0.00001.
gnomAD v4.1: 1 of 1,614,002 alleles (0.000062%); highest among the groups gnomAD compares: Non-Finnish European, 0.000085%; no homozygotes.

Submissions (2):

Labcorp Genetics (formerly Invitae), Labcorp
Classification: Pathogenic for Baraitser-winter syndrome 2; Autosomal dominant nonsyndromic hearing loss 20. Last evaluated: 2024-12-05. Review status: criteria provided, single submitter. Criteria: Invitae Variant Classification Sherloc (09022015). Collection method: clinical testing. Allele origin: germline.
Comment: This sequence change replaces methionine, which is neutral and non-polar, with threonine, which is neutral and polar, at codon 305 of the ACTG1 protein (p.Met305Thr). This variant is not present in population databases (gnomAD no frequency). This missense change has been observed in individual(s) with deafness (PMID: 23506231). It has also been observed to segregate with disease in related individuals. ClinVar contains an entry for this variant (Variation ID: 1705652). Invitae Evidence Modeling of protein sequence and biophysical properties (such as structural, functional, and spatial information, amino acid conservation, physicochemical variation, residue mobility, and thermodynamic stability) indicates that this missense variant is not expected to disrupt ACTG1 protein function with a negative predictive value of 80%. For these reasons, this variant has been classified as Pathogenic.

3billion
Classification: Uncertain significance for Autosomal dominant nonsyndromic hearing loss 20. Last evaluated: 2022-09-01. Review status: criteria provided, single submitter. Criteria: ACMG Guidelines, 2015. Collection method: clinical testing. Allele origin: germline. Affected: yes. Observed: 1 heterozygote.
Comment: The variant is not observed in the gnomAD v2.1.1 dataset. Missense changes are a common disease-causing mechanism. In silico tool predictions suggest damaging effect of the variant on gene or gene product (REVEL: 0.96; 3Cnet: 0.99). Same nucleotide change resulting in same amino acid change has been previously reported to be associated with ACTG1-related disorder (PMID: 23506231). However, the evidence of pathogenicity is insufficient at this time. Therefore, this variant is classified as uncertain significance according to the recommendation of ACMG/AMP guideline.

Literature cited by the submitters: PubMed 23506231 (cited by Labcorp Genetics (formerly Invitae), Labcorp and 3billion).

NM_001614.5(ACTG1):c.914T>C (p.Met305Thr)

Gene: ACTG1 (actin gamma 1; minus strand). Cytogenetic location: 17q25.3.
Variant type: single nucleotide variant.
Coding change: c.914T>C on transcript NM_001614.5 (MANE Select); coding-DNA position 914, T replaced by C.
Protein change: p.Met305Thr; replaces methionine 305 with threonine.
Molecular consequence: missense variant. On other transcripts: non-coding transcript variant (1).
Genome position (GRCh38, 1-based): chr17:81,510,997, A>G on the plus strand (T>C on the coding strand, the complement: ACTG1 is on the minus strand). VCF-style: chr17-81510997-A-G. GRCh37 (hg19) VCF-style: chr17-79478023-A-G.
Other names: c.914T>C, p.Met305Thr (NM_001199954.3); short protein forms M305T.
Identifiers: ClinVar variation 1705652 (VCV001705652.3), dbSNP rs2544387148, ClinGen allele CA401459052.